The following is an entry in ClinVar:

ClinVar aggregate classification (germline): Likely pathogenic (1 of 4 stars; one submission).

Submission:

Dasa
Classification: Likely pathogenic. Last evaluated: 2025-11-27. Review status: criteria provided, single submitter. Criteria: DASA Assertion Criteria. Collection method: clinical testing. Allele origin: germline.
Comment: NM_152416.4(NDUFAF6):c.838_839del (p.Val280Serfs*27) is a frameshift variant in NDUFAF6 predicted to alter the reading frame and introduce a premature termination codon and is predicted to result in an absent or altered protein product. Loss of function is an established disease mechanism for NDUFAF6-associated disorders. Also, this variant is absent from population databases. Based on the currently available evidence, this variant is classified as likely pathogenic.

NM_152416.4(NDUFAF6):c.838_839del (p.Val280fs)

Gene: NDUFAF6 (NADH:ubiquinone oxidoreductase complex assembly factor 6; plus strand). Cytogenetic location: 8q22.1.
Variant type: Deletion.
Coding change: c.838_839del on transcript NM_152416.4 (MANE Select); coding-DNA positions 838 to 839, 2 bases deleted (GT; older notation c.838_839delGT).
Protein change: p.Val280fs; shifts the reading frame from valine 280.
Molecular consequence: frameshift variant. On other transcripts: non-coding transcript variant (4), intron variant (2).
Genome position (GRCh38, 1-based): chr8:95,052,195-95,052,196, GT deleted; deleting any 2 consecutive bases within chr8:95,052,194-95,052,196 gives the same sequence; the c. name uses the placement nearest the transcript's 3' end. VCF-style (leftmost placement, unchanged base first): chr8-95052193-CTG-C. GRCh37 (hg19) VCF-style: chr8-96064421-CTG-C.
Other names: c.562_563del, p.Val188fs (NM_001330582.2, NM_001354514.2, NM_001354515.2); c.682_683del, p.Val228fs (NM_001354516.2); c.505_506del, p.Val169fs (NM_001354517.2, NM_001354518.2, NM_001354519.2); c.382_383del, p.Val128fs (NM_001354522.2, NM_001354524.2, NM_001354525.2 and 7 more transcripts); c.483+3637_483+3638del (NM_001354534.2); c.540+3637_540+3638del (NM_001354521.2); short protein forms V128fs, V169fs, V188fs, V228fs, V280fs.
Identifiers: ClinVar variation 4880678 (VCV004880678.2).
Genomic context (GRCh38, chr8:95,052,193, plus strand): 5'-TGCTTAATTTTGAACGAGCTTCCTCTCCTCTTCCTTTTTAGGCTAGGTCCTTTCACAAAA[CTG>C]TTCCTGTGAAAGCATTTCCTGCTTTTCTTCAGACGGTAAGTAGATTAACAGAGAAGGCTG-3'